The following is an entry in ClinVar:

ClinVar aggregate classification (germline): Pathogenic/Likely pathogenic. Review status: criteria provided, multiple submitters, no conflicts (2 of 4 stars). 4 submissions from 4 submitters: Pathogenic (3); Likely pathogenic (1). Last evaluated 2025-09-04.

Conditions:
Hereditary cancer-predisposing syndrome. Also called: Hereditary Cancer Syndrome; Tumor predisposition; Hereditary neoplastic syndrome; Neoplastic Syndromes, Hereditary. Identifiers: Orphanet 140162, MedGen C0027672, MeSH D009386, MONDO:0015356.
Multiple endocrine neoplasia, type 1 (MEN1). Also called: MEA I; MEN I; WERMER SYNDROME; Endocrine adenomatosis multiple; MEN 1. Identifiers: Orphanet 652, MedGen C0025267, MeSH D018761, MONDO:0007540, OMIM 131100.

Submissions (4):

Labcorp Genetics (formerly Invitae), Labcorp
Classification: Pathogenic for Multiple endocrine neoplasia, type 1. Last evaluated: 2025-09-04. Review status: criteria provided, single submitter. Criteria: Invitae Variant Classification Sherloc (09022015). Collection method: clinical testing. Allele origin: germline.
Comment: This sequence change replaces aspartic acid, which is acidic and polar, with histidine, which is basic and polar, at codon 418 of the MEN1 protein (p.Asp418His). This variant is not present in population databases (gnomAD no frequency). This missense change has been observed in individuals with multiple endocrine neoplasia type 1 (PMID: 14985373, 15730416, 25309785). It has also been observed to segregate with disease in related individuals. Invitae Evidence Modeling of clinical and family history, age, sex, and reported ancestry of multiple individuals with this MEN1 variant has been performed. This variant is expected to be pathogenic with a positive predictive value of at least 99%. This is a validated machine learning model that incorporates the clinical features of 1,366,787 individuals referred to our laboratory for MEN1 testing. ClinVar contains an entry for this variant (Variation ID: 201015). Invitae Evidence Modeling of protein sequence and biophysical properties (such as structural, functional, and spatial information, amino acid conservation, physicochemical variation, residue mobility, and thermodynamic stability) indicates that this missense variant is expected to disrupt MEN1 protein function with a positive predictive value of 95%. This variant disrupts the p.Asp418 amino acid residue in MEN1. Other variant(s) that disrupt this residue have been determined to be pathogenic (PMID: 9463336, 11303512, 11836268, 12050235, 17766710). This suggests that this residue is clinically significant, and that variants that disrupt this residue are likely to be disease-causing. For these reasons, this variant has been classified as Pathogenic.

Ambry Genetics
Classification: Pathogenic for Hereditary cancer-predisposing syndrome. Last evaluated: 2024-12-20. Review status: criteria provided, single submitter. Criteria: Ambry Variant Classification Scheme 2023. Collection method: clinical testing. Allele origin: germline.
Comment: The p.D418H pathogenic mutation (also known as c.1252G>C), located in coding exon 8 of the MEN1 gene, results from a G to C substitution at nucleotide position 1252. The aspartic acid at codon 418 is replaced by histidine, an amino acid with similar properties. This variant was reported in individual(s) with features consistent with multiple endocrine neoplasia type 1 (Warner J et al. J Med Genet, 2004 Mar;41:155-6; Jap TS et al. Clin Endocrinol (Oxf), 2005 Mar;62:336-42; Cetani F et al. Clin Endocrinol (Oxf), 2006 Feb;64:146-52; Chung YJ et al. Endocrinol Metab (Seoul), 2014 Sep;29:270-9). Other variant(s) at the same codon, p.D418N (c.1252G>A), have been identified in individual(s) with features consistent with multiple endocrine neoplasia type 1 (Ambry internal data). This amino acid position is highly conserved in available vertebrate species. In addition, this alteration is predicted to be deleterious by in silico analysis. Based on the supporting evidence, this variant is interpreted as a disease-causing mutation.

GeneDx
Classification: Likely pathogenic. Last evaluated: 2024-11-27. Review status: criteria provided, single submitter. Criteria: GeneDx Variant Classification Process June 2021. Collection method: clinical testing. Allele origin: germline. Affected: yes.
Comment: Not observed at significant frequency in large population cohorts (gnomAD); In silico analysis supports that this missense variant has a deleterious effect on protein structure/function; This variant is associated with the following publications: (PMID: 17065424, 28881068, Lee2005[article], 35586626, 32808116, 25309785, 14985373, 16430712, 15730416, 9989505)

Clinical Genetics and Genomics, Karolinska University Hospital
Classification: Pathogenic. Last evaluated: 2014-10-02. Review status: criteria provided, single submitter. Criteria: ACMG Guidelines, 2015. Collection method: clinical testing. Allele origin: germline. Affected: yes. Observed: 1 variant allele.

Literature cited by the submitters: PubMed 14985373 (cited by Labcorp Genetics (formerly Invitae), Labcorp and Ambry Genetics); PubMed 15730416 (cited by Labcorp Genetics (formerly Invitae), Labcorp and Ambry Genetics); PubMed 25309785 (cited by Labcorp Genetics (formerly Invitae), Labcorp and Ambry Genetics); PubMed 9463336 (cited by Labcorp Genetics (formerly Invitae), Labcorp); PubMed 11303512 (cited by Labcorp Genetics (formerly Invitae), Labcorp); PubMed 11836268 (cited by Labcorp Genetics (formerly Invitae), Labcorp); PubMed 12050235 (cited by Labcorp Genetics (formerly Invitae), Labcorp); PubMed 17766710 (cited by Labcorp Genetics (formerly Invitae), Labcorp); PubMed 16430712 (cited by Ambry Genetics).

NM_001370259.2(MEN1):c.1252G>C (p.Asp418His)

Gene: MEN1 (menin 1; minus strand). Cytogenetic location: 11q13.1.
Variant type: single nucleotide variant.
Coding change: c.1252G>C on transcript NM_001370259.2 (MANE Select); coding-DNA position 1252, G replaced by C.
Protein change: p.Asp418His; replaces aspartic acid 418 with histidine.
Molecular consequence: missense variant.
Genome position (GRCh38, 1-based): chr11:64,805,132, C>G on the plus strand (G>C on the coding strand, the complement: MEN1 is on the minus strand). VCF-style: chr11-64805132-C-G. GRCh37 (hg19) VCF-style: chr11-64572604-C-G.
Other names: p.D418H:GAC>CAC; c.1267G>C, p.Asp423His (NM_130802.3, NM_130803.3, NM_130804.3 and 3 more transcripts); c.1378G>C, p.Asp460His (NM_001370251.2); c.1252G>C, p.Asp418His (NM_001370260.2, NM_001370261.2, NM_130799.3); c.1147G>C, p.Asp383His (NM_001370262.2, NM_001370263.2); short protein forms D418H, D423H, D460H, D383H.
Identifiers: ClinVar variation 201015 (VCV000201015.15), dbSNP rs104894264, ClinGen allele CA009091.